The following is an entry in ClinVar:

NM_001130438.3(SPTAN1):c.6289C>G (p.Leu2097Val)

Gene: SPTAN1 (spectrin alpha, non-erythrocytic 1; plus strand). Cytogenetic location: 9q34.11.
Variant type: single nucleotide variant.
Coding change: c.6289C>G on transcript NM_001130438.3 (MANE Select); coding-DNA position 6289, C replaced by G.
Protein change: p.Leu2097Val; replaces leucine 2097 with valine.
Molecular consequence: missense variant.
Genome position (GRCh38, 1-based): chr9:128,626,400, C>G. VCF-style: chr9-128626400-C-G. GRCh37 (hg19) VCF-style: chr9-131388679-C-G.
Other names: c.6214C>G, p.Leu2072Val (NM_001195532.2, NM_001438441.1, NM_001438444.1); c.6289C>G, p.Leu2097Val (NM_001363759.2, NM_001375310.1, NM_001375311.2 and 1 more transcripts); c.6229C>G, p.Leu2077Val (NM_001363765.2, NM_001375314.2, NM_001438442.1); c.6325C>G, p.Leu2109Val (NM_001375312.2, NM_001375318.1, NM_001438440.1); c.6274C>G, p.Leu2092Val (NM_001438443.1, NM_001438445.1, NM_003127.4); short protein forms L2092V, L2109V, L2097V, L2072V, L2077V.
Identifiers: ClinVar variation 5008223 (VCV005008223.1).
Genomic context (GRCh38, chr9:128,626,400, plus strand): 5'-CGGCACGTCCAGCCCTGGCGACTCCGCCAACTCAGTCTCTTCTGCTTCCAGGTGGAGGAC[C>G]TCTTCCTGACCTTCGCCAAAAAGGCTTCTGCCTTCAACAGCTGGTTTGAAAATGCAGAGG-3'
Protein context (NP_001123910.1, residues 2087-2107): AQSHFRKVED[Leu2097Val]FLTFAKKASA

ClinVar aggregate classification (germline): Uncertain significance (1 of 4 stars; one submission).

Submission:

GeneDx
Classification: Uncertain significance. Last evaluated: 2026-02-27. Review status: criteria provided, single submitter. Criteria: GeneDx Variant Classification Process June 2021. Collection method: clinical testing. Allele origin: germline.
Comment: Not observed at significant frequency in large population cohorts (gnomAD); In silico analysis supports that this missense variant has a deleterious effect on protein structure/function; Has not been previously published as pathogenic or benign to our knowledge